The following is an entry in ClinVar:

NM_000038.6(APC):c.6083G>A (p.Ser2028Asn)

Gene: APC (APC regulator of Wnt signaling pathway; plus strand). Cytogenetic location: 5q22.2.
Variant type: single nucleotide variant.
Coding change: c.6083G>A on transcript NM_000038.6 (MANE Select); coding-DNA position 6083, G replaced by A.
Protein change: p.Ser2028Asn; replaces serine 2028 with asparagine.
Molecular consequence: missense variant.
Genome position (GRCh38, 1-based): chr5:112,841,677, G>A. VCF-style: chr5-112841677-G-A. GRCh37 (hg19) VCF-style: chr5-112177374-G-A.
Other names: c.6083G>A, p.Ser2028Asn (NM_001127510.3, NM_001354895.2, NM_001407450.1); c.6029G>A, p.Ser2010Asn (NM_001127511.3); c.6137G>A, p.Ser2046Asn (NM_001354896.2, NM_001407447.1, NM_001407448.1 and 1 more transcripts); c.6113G>A, p.Ser2038Asn (NM_001354897.2); c.6008G>A, p.Ser2003Asn (NM_001354898.2); c.5999G>A, p.Ser2000Asn (NM_001354899.2); c.5960G>A, p.Ser1987Asn (NM_001354900.2); c.5906G>A, p.Ser1969Asn (NM_001354901.2, NM_001407453.1); and 12 more; short protein forms S1868N, S1899N, S1987N, S2003N, S2010N, S1644N, S1745N, S1945N.
Identifiers: ClinVar variation 1979708 (VCV001979708.6), dbSNP rs1766129324, ClinGen allele CA16034645.

ClinVar aggregate classification (germline): Uncertain significance. Review status: criteria provided, multiple submitters, no conflicts (2 of 4 stars). 3 submissions from 3 submitters: Uncertain significance (3). Last evaluated 2025-04-18.

Conditions:
Hereditary cancer-predisposing syndrome. Also called: Hereditary Cancer Syndrome; Neoplastic Syndromes, Hereditary; Tumor predisposition; Hereditary neoplastic syndrome. Identifiers: Orphanet 140162, MedGen C0027672, MeSH D009386, MONDO:0015356.
Classic or attenuated familial adenomatous polyposis. Identifiers: MedGen CN372698, MONDO:0021057.
Familial adenomatous polyposis 1 (FAP1). Also called: FAMILIAL ADENOMATOUS POLYPOSIS 1, ATTENUATED; POLYPOSIS, ADENOMATOUS INTESTINAL. Identifiers: MedGen C2713442, MONDO:0021056, OMIM 175100. Disease mechanism: loss of function.

gnomAD v4.1: 1 of 1,613,894 alleles (0.000062%); no homozygotes.

Submissions (3):

Ambry Genetics
Classification: Uncertain significance for Hereditary cancer-predisposing syndrome. Last evaluated: 2025-04-18. Review status: criteria provided, single submitter. Criteria: Ambry Variant Classification Scheme 2023. Collection method: clinical testing. Allele origin: germline.
Comment: The p.S2028N variant (also known as c.6083G>A), located in coding exon 15 of the APC gene, results from a G to A substitution at nucleotide position 6083. The serine at codon 2028 is replaced by asparagine, an amino acid with highly similar properties. This amino acid position is conserved. In addition, in silico predictors for this gene do not accurately predict pathogenicity. Based on the available evidence, the clinical significance of this variant remains unclear.

All of Us Research Program, National Institutes of Health
Classification: Uncertain significance for Classic or attenuated familial adenomatous polyposis. Last evaluated: 2023-02-24. Review status: criteria provided, single submitter. Criteria: ACMG Guidelines, 2015. Collection method: clinical testing. Allele origin: germline. Inheritance: Autosomal dominant inheritance. Observed: 1 variant allele, 1 heterozygote.
Comment: This missense variant replaces serine with asparagine at codon 2028 of the APC protein. Computational prediction suggests that this variant may not impact protein structure and function (internally defined REVEL score threshold <= 0.5, PMID: 27666373). To our knowledge, functional studies have not been reported for this variant. This variant has not been reported in individuals affected with APC-related disorders in the literature. This variant has not been identified in the general population by the Genome Aggregation Database (gnomAD). The available evidence is insufficient to determine the role of this variant in disease conclusively. Therefore, this variant is classified as a Variant of Uncertain Significance.

This study involves interpretation of variants in research participants for the purpose of population health screening. Participant phenotype was not available at the time of variant classification. Additional details can be found in publication PMID: 35346344, PMCID: PMC8962531

Labcorp Genetics (formerly Invitae), Labcorp
Classification: Uncertain significance for Familial adenomatous polyposis 1. Last evaluated: 2022-09-23. Review status: criteria provided, single submitter. Criteria: Invitae Variant Classification Sherloc (09022015). Collection method: clinical testing. Allele origin: germline.
Comment: In summary, the available evidence is currently insufficient to determine the role of this variant in disease. Therefore, it has been classified as a Variant of Uncertain Significance. Advanced modeling of protein sequence and biophysical properties (such as structural, functional, and spatial information, amino acid conservation, physicochemical variation, residue mobility, and thermodynamic stability) performed at Invitae indicates that this missense variant is not expected to disrupt APC protein function. This variant has not been reported in the literature in individuals affected with APC-related conditions. This sequence change replaces serine, which is neutral and polar, with asparagine, which is neutral and polar, at codon 2028 of the APC protein (p.Ser2028Asn). This variant is not present in population databases (gnomAD no frequency).